The following is an entry in ClinVar:

ClinVar aggregate classification (germline): Uncertain significance (1 of 4 stars; one submission).

Conditions:
Developmental delay, behavioral abnormalities, and neuropsychiatric disorders (DEDBANP). Identifiers: MedGen C5774224, MONDO:0859292, OMIM 620065.

Submission:

Dasa
Classification: Uncertain significance for Developmental delay, behavioral abnormalities, and neuropsychiatric disorders. Last evaluated: 2025-12-03. Review status: criteria provided, single submitter. Criteria: DASA Assertion Criteria. Collection method: clinical testing. Allele origin: germline.
Comment: NM_014921.5(ADGRL1):c.1800+1dup affects a canonical splice site and is predicted to disrupt normal RNA splicing. This variant is absent from population databases. The currently available literature and clinical evidence are not sufficient to establish a definitive association between this variant and the reported condition. Therefore, this variant is classified as a variant of uncertain significance.

NM_014921.5(ADGRL1):c.1800+1dup

Genes: ADGRL1-AS1 (ADGRL1 antisense RNA 1; plus strand), ADGRL1 (adhesion G protein-coupled receptor L1; minus strand). Cytogenetic location: 19p13.12.
Variant type: Duplication.
Coding change: c.1800+1dup on transcript NM_014921.5 (MANE Select); the canonical splice donor site of the intron after coding-DNA position 1800, one base duplicated (G; older notation c.1800+1dupG).
Molecular consequence: splice donor variant.
Genome position (GRCh38, 1-based): chr19:14,160,111, C duplicated on the plus strand (G on the coding strand, the reverse complement: ADGRL1 is on the minus strand); the first of 2 consecutive C bases (chr19:14,160,111-14,160,112); duplicating either gives the same sequence. VCF-style (leftmost placement, unchanged base first): chr19-14160110-A-AC. GRCh37 (hg19) VCF-style: chr19-14270922-A-AC.
Other names: c.1815+1dup (NM_001008701.3).
Identifiers: ClinVar variation 4883945 (VCV004883945.2).